The following is an entry in ClinVar:

ClinVar aggregate classification (germline): Uncertain significance (1 of 4 stars; one submission).

Submission:

Labcorp Genetics (formerly Invitae), Labcorp
Classification: Uncertain significance. Last evaluated: 2023-10-13. Review status: criteria provided, single submitter. Criteria: Invitae Variant Classification Sherloc (09022015). Collection method: clinical testing. Allele origin: germline.
Comment: This sequence change replaces phenylalanine, which is neutral and non-polar, with serine, which is neutral and polar, at codon 231 of the MYH3 protein (p.Phe231Ser). This variant is not present in population databases (gnomAD no frequency). This variant has not been reported in the literature in individuals affected with MYH3-related conditions. Advanced modeling of protein sequence and biophysical properties (such as structural, functional, and spatial information, amino acid conservation, physicochemical variation, residue mobility, and thermodynamic stability) has been performed at Invitae for this missense variant, however the output from this modeling did not meet the statistical confidence thresholds required to predict the impact of this variant on MYH3 protein function. In summary, the available evidence is currently insufficient to determine the role of this variant in disease. Therefore, it has been classified as a Variant of Uncertain Significance.

NM_002470.4(MYH3):c.692T>C (p.Phe231Ser)

Gene: MYH3 (myosin heavy chain 3; minus strand). Cytogenetic location: 17p13.1.
Variant type: single nucleotide variant.
Coding change: c.692T>C on transcript NM_002470.4 (MANE Select); coding-DNA position 692, T replaced by C.
Protein change: p.Phe231Ser; replaces phenylalanine 231 with serine.
Molecular consequence: missense variant.
Genome position (GRCh38, 1-based): chr17:10,648,600, A>G on the plus strand (T>C on the coding strand, the complement: MYH3 is on the minus strand). VCF-style: chr17-10648600-A-G. GRCh37 (hg19) VCF-style: chr17-10551917-A-G.
Other names: short protein forms F231S.
Identifiers: ClinVar variation 2747835 (VCV002747835.3), dbSNP rs2508635090, ClinGen allele CA398109742.